The following is an entry in ClinVar:

NM_001045.6(SLC6A4):c.924T>C (p.Gly308=)

Gene: SLC6A4 (solute carrier family 6 member 4; minus strand). Cytogenetic location: 17q11.2.
Variant type: single nucleotide variant.
Coding change: c.924T>C on transcript NM_001045.6 (MANE Select); coding-DNA position 924, T replaced by C.
Protein change: p.Gly308=; no amino-acid change (glycine 308 retained).
Molecular consequence: synonymous variant.
Genome position (GRCh38, 1-based): chr17:30,216,130, A>G on the plus strand (T>C on the coding strand, the complement: SLC6A4 is on the minus strand). VCF-style: chr17-30216130-A-G. GRCh37 (hg19) VCF-style: chr17-28543148-A-G.
Identifiers: ClinVar variation 786433 (VCV000786433.7), dbSNP rs74845752, ClinGen allele CA8480310.
Genomic context (GRCh38, chr17:30,216,130, plus strand): 5'-TCATCATCTTACCCCTGTCTCCAGGAGTTTCTGCCAATTGGGTTTCAAGTAGAAGAGAAC[A>G]CCCCTCCAGGCTCCAGGGAGGGTGGCACCCCTCACCAGCAGGACAGAAAGGATGATATAA-3'
Protein context (NP_001036.1, residues 298-318): RGATLPGAWR[Gly308=]VLFYLKPNWQ

ClinVar aggregate classification (germline): Conflicting classifications of pathogenicity. Review status: criteria provided, conflicting classifications (1 of 4 stars). 2 submissions from 2 submitters: Uncertain significance (1); Benign (1). Last evaluated 2017-07-18.

Conditions:
Behavior disorder. Also called: Behavioral disorder. Identifiers: MedGen C0004930.

Allele frequency attached by ClinVar (database versions not stated): 1000 Genomes Project 0.00020; 1000 Genomes Project 30x 0.00047; TOPMed 0.00137; ESP Exome Variant Server 0.00161; gnomAD 0.00166 and 0.00168; gnomAD exomes 0.00202; ExAC 0.00204.
gnomAD v4.1: 4,518 of 1,612,412 alleles (0.28%); highest among the groups gnomAD compares: South Asian, 0.35%; 11 homozygotes.

Submissions (2):

Labcorp Genetics (formerly Invitae), Labcorp
Classification: Benign. Last evaluated: 2017-07-18. Review status: criteria provided, single submitter. Criteria: Invitae Variant Classification Sherloc (09022015). Collection method: clinical testing. Allele origin: germline.

Illumina Laboratory Services, Illumina
Classification: Uncertain significance for Behavior disorder. Last evaluated: 2017-04-27. Review status: criteria provided, single submitter. Criteria: ICSL Variant Classification Criteria 13 December 2019. Collection method: clinical testing. Allele origin: germline.
Comment: This variant was observed as part of a predisposition screen in an ostensibly healthy population. A literature search was performed for the gene, cDNA change, and amino acid change (where applicable). Publications were found based on this search. However, the evidence from the literature, in combination with allele frequency data from public databases where available, was not sufficient to rule this variant in or out of causing disease. Therefore, this variant is classified as a variant of unknown significance.

Literature cited by the submitters: PubMed 19360675 (cited by Illumina Laboratory Services, Illumina); PubMed 18792946 (cited by Illumina Laboratory Services, Illumina).